The following is an entry in ClinVar:

ClinVar aggregate classification (germline): Likely benign (1 of 4 stars; one submission).

Submission:

CeGaT Center for Human Genetics Tuebingen
Classification: Likely benign. Last evaluated: 2026-08-01. Review status: criteria provided, single submitter. Criteria: CeGaT Center For Human Genetics Tuebingen Variant Classification Criteria Version 2. Collection method: clinical testing. Allele origin: germline. Affected: yes. Observed: 1 variant allele.
Comment: AHNAK2: BP4, BP7

NM_138420.4(AHNAK2):c.2811T>C (p.Asp937=)

Gene: AHNAK2 (AHNAK nucleoprotein 2; minus strand). Cytogenetic location: 14q32.33.
Variant type: single nucleotide variant.
Coding change: c.2811T>C on transcript NM_138420.4 (MANE Select); coding-DNA position 2811, T replaced by C.
Protein change: p.Asp937=; no amino-acid change (aspartic acid 937 retained).
Molecular consequence: synonymous variant.
Genome position (GRCh38, 1-based): chr14:104,952,640, A>G on the plus strand (T>C on the coding strand, the complement: AHNAK2 is on the minus strand). VCF-style: chr14-104952640-A-G. GRCh37 (hg19) VCF-style: chr14-105418977-A-G.
Other names: c.2511T>C, p.Asp837= (NM_001350929.2).
Identifiers: ClinVar variation 5038815 (VCV005038815.1).
Genomic context (GRCh38, chr14:104,952,640, plus strand): 5'-GCCATCGGGGGCTGTCACTTCCGCCTTGGGGCCTTTCAGGTCCAGCTTGGGGCCCTTAAC[A>G]TCTATCTGGGGGCCCTTGAGGTCCACTTTGGGCATCTTGAAACTGGGCATCTCCACTTTG-3'
Protein context (NP_612429.2, residues 927-947): PKVDLKGPQI[Asp937=]VKGPKLDLKG